The following is an entry in ClinVar:

NM_015365.3(AMMECR1):c.805C>T (p.Gln269Ter)

Gene: AMMECR1 (AMMECR nuclear protein 1; minus strand). Cytogenetic location: Xq23.
Variant type: single nucleotide variant.
Coding change: c.805C>T on transcript NM_015365.3 (MANE Select); coding-DNA position 805, C replaced by T.
Protein change: p.Gln269Ter; replaces glutamine 269 with a stop codon.
Molecular consequence: nonsense.
Genome position (GRCh38, 1-based): chrX:110,201,036, G>A on the plus strand (C>T on the coding strand, the complement: AMMECR1 is on the minus strand). VCF-style: chrX-110201036-G-A. GRCh37 (hg19) VCF-style: chrX-109444264-G-A.
Other names: c.694C>T, p.Gln232Ter (NM_001025580.2); c.436C>T, p.Gln146Ter (NM_001171689.2); short protein forms Q146*, Q232*, Q269*.
Identifiers: ClinVar variation 998005 (VCV000998005.3), dbSNP rs750022919, ClinGen allele CA414222165.

ClinVar aggregate classification (germline): Pathogenic. Review status: criteria provided, single submitter (1 of 4 stars). 2 submissions from 2 submitters: Pathogenic (1). 1 of the submissions does not count toward it. Last evaluated 2024-11-25.

Conditions:
Midface hypoplasia, hearing impairment, elliptocytosis, and nephrocalcinosis (MFHIEN). Identifiers: Orphanet 688581, MedGen C4310810, MONDO:0010516, OMIM 300990.

Submissions (2):

Victorian Clinical Genetics Services, Murdoch Childrens Research Institute
Classification: Pathogenic for Midface hypoplasia, hearing impairment, elliptocytosis, and nephrocalcinosis. Last evaluated: 2024-11-25. Review status: criteria provided, single submitter. Criteria: ACMG Guidelines, 2015. Collection method: clinical testing. Allele origin: germline. Affected: yes.
Comment: This variant is classified as Pathogenic. Evidence in support of pathogenic classification: Variant is predicted to cause nonsense-mediated decay (NMD) and loss of protein (premature termination codon is located at least 54 nucleotides upstream of the final exon-exon junction); Variant is absent from gnomAD (v2, v3 and v4); Other NMD-predicted variant(s) comparable to the one identified in this case have strong previous evidence for pathogenicity (DECIPHER, PMIDs: 29193635, 28089922). Additional information: This variant is hemizygous; This gene is associated with X-linked recessive disease; Previous evidence of pathogenicity for this variant is inconclusive. This variant has been reported in an individual with isolated short stature (PMID: 34006472); No published segregation evidence has been identified for this variant; No published functional evidence has been identified for this variant; Loss of function is a known mechanism of disease in this gene and is associated with midface hypoplasia, hearing impairment, elliptocytosis, and nephrocalcinosis (MIM#300990); Inheritance information for this variant is not currently available in this individual.

Beijing Key Laboratory for Genetic Research of Skeletal Deformity, Peking Union Medical College Hospital
Classification: Likely pathogenic for Midface hypoplasia, hearing impairment, elliptocytosis, and nephrocalcinosis. Last evaluated: 2019-05-31. Review status: no assertion criteria provided. Collection method: research. Allele origin: unknown. Affected: yes. Not counted in ClinVar's aggregate classification.

Literature cited by the submitters: PubMed 28089922 (cited by Victorian Clinical Genetics Services, Murdoch Childrens Research Institute); PubMed 34006472 (cited by Victorian Clinical Genetics Services, Murdoch Childrens Research Institute); PubMed 29193635 (cited by Victorian Clinical Genetics Services, Murdoch Childrens Research Institute).